The following is an entry in ClinVar:

NM_000059.4(BRCA2):c.5141A>T (p.Tyr1714Phe)

Gene: BRCA2 (BRCA2 DNA repair associated; plus strand). Cytogenetic location: 13q13.1.
Variant type: single nucleotide variant.
Coding change: c.5141A>T on transcript NM_000059.4 (MANE Select); coding-DNA position 5141, A replaced by T.
Protein change: p.Tyr1714Phe; replaces tyrosine 1714 with phenylalanine.
Molecular consequence: missense variant.
Genome position (GRCh38, 1-based): chr13:32,339,496, A>T. VCF-style: chr13-32339496-A-T. GRCh37 (hg19) VCF-style: chr13-32913633-A-T.
Other names: short protein forms Y1714F.
Identifiers: ClinVar variation 619638 (VCV000619638.10), dbSNP rs1566231796, ClinGen allele CA387784199.

ClinVar aggregate classification (germline): Conflicting classifications of pathogenicity. Review status: criteria provided, conflicting classifications (1 of 4 stars). 5 submissions from 5 submitters: Uncertain significance (3); Likely benign (2). Last evaluated 2026-08-13.

Conditions:
Hereditary cancer-predisposing syndrome. Also called: Neoplastic Syndromes, Hereditary; Hereditary Cancer Syndrome; Hereditary neoplastic syndrome; Tumor predisposition. Identifiers: Orphanet 140162, MedGen C0027672, MeSH D009386, MONDO:0015356.
Hereditary breast ovarian cancer syndrome. Also called: Breast and ovarian cancer; Hereditary breast and ovarian cancer syndrome (HBOC); BRCA1- and BRCA2-Associated Hereditary Breast and Ovarian Cancer; Hereditary breast and ovarian cancer syndrome; Hereditary breast and ovarian cancer; Hereditary breast and/or ovarian cancer syndrome. Identifiers: Orphanet 145, MedGen C0677776, MeSH D061325, MONDO:0003582. Disease mechanism: loss of function.

Submissions (5):

Ambry Genetics
Classification: Uncertain significance for Hereditary cancer-predisposing syndrome. Last evaluated: 2026-08-13. Review status: criteria provided, single submitter. Criteria: Ambry Variant Classification Scheme 2023. Collection method: clinical testing. Allele origin: germline.
Comment: The p.Y1714F variant (also known as c.5141A>T), located in coding exon 10 of the BRCA2 gene, results from an A to T substitution at nucleotide position 5141. The tyrosine at codon 1714 is replaced by phenylalanine, an amino acid with highly similar properties. This amino acid position is conserved. In addition, this alteration is predicted to be tolerated by in silico analysis. Based on the available evidence, the clinical significance of this variant remains unclear.

Labcorp Genetics (formerly Invitae), Labcorp
Classification: Likely benign for Hereditary breast ovarian cancer syndrome. Last evaluated: 2026-01-05. Review status: criteria provided, single submitter. Criteria: Invitae Variant Classification Sherloc (09022015). Collection method: clinical testing. Allele origin: germline.

University of Washington Department of Laboratory Medicine, University of Washington
Classification: Likely benign for Hereditary cancer-predisposing syndrome. Last evaluated: 2023-03-23. Review status: criteria provided, single submitter. Criteria: Dines et al. (Genet Med. 2020). Collection method: curation. Allele origin: germline.
Comment: Missense variant in a coldspot region where missense variants are very unlikely to be pathogenic (PMID:31911673).

BRCA2 exon 11 coldspot. Reclassification based on statistical prior probability.

GeneDx
Classification: Uncertain significance. Last evaluated: 2020-12-15. Review status: criteria provided, single submitter. Criteria: GeneDx Variant Classification Process June 2021. Collection method: clinical testing. Allele origin: germline. Affected: yes.
Comment: Not observed in large population cohorts (Lek 2016); In silico analysis supports that this missense variant does not alter protein structure/function; Has not been previously published as pathogenic or benign to our knowledge; Also known as 5369A>T

Quest Diagnostics Nichols Institute San Juan Capistrano
Classification: Uncertain significance. Last evaluated: 2017-09-04. Review status: criteria provided, single submitter. Criteria: Quest Diagnostics criteria. Collection method: clinical testing. Allele origin: germline.